The following is an entry in ClinVar:

ClinVar aggregate classification (germline): Uncertain significance (1 of 4 stars; one submission).

Conditions:
Hereditary spastic paraplegia 7 (SPG7). Also called: SPG7-related neurologic disorder; Spastic paraplegia 7; Hereditary spastic paraplegia Paraplegin type; Autosomal recessive spastic paraplegia type 7; SPASTIC PARAPLEGIA 7, AUTOSOMAL RECESSIVE, WITH OR WITHOUT CEREBELLAR ATAXIA. Identifiers: Orphanet 99013, MedGen C1846564, MONDO:0011803, OMIM 607259.

Allele frequency attached by ClinVar (database versions not stated): ExAC 0.00002; gnomAD exomes 0.00002; TOPMed 0.00002.

Submission:

Illumina Laboratory Services, Illumina
Classification: Uncertain significance for Hereditary spastic paraplegia 7. Last evaluated: 2017-04-28. Review status: criteria provided, single submitter. Criteria: ICSL Variant Classification Criteria 13 December 2019. Collection method: clinical testing. Allele origin: germline.
Comment: This variant was observed as part of a predisposition screen in an ostensibly healthy population. A literature search was performed for the gene, cDNA change, and amino acid change (where applicable). Publications were found based on this search. However, the evidence from the literature, in combination with allele frequency data from public databases where available, was not sufficient to rule this variant in or out of causing disease. Therefore, this variant is classified as a variant of unknown significance.

Literature cited by the submitters: PubMed 14985266.

NM_003119.4(SPG7):c.2283G>A (p.Gln761=)

Gene: SPG7 (SPG7 matrix AAA peptidase subunit, paraplegin; plus strand). Cytogenetic location: 16q24.3.
Variant type: single nucleotide variant.
Coding change: c.2283G>A on transcript NM_003119.4 (MANE Select); coding-DNA position 2283, G replaced by A.
Protein change: p.Gln761=; no amino-acid change (glutamine 761 retained).
Molecular consequence: synonymous variant. On other transcripts: 3 prime UTR variant (1).
Genome position (GRCh38, 1-based): chr16:89,556,988, G>A. VCF-style: chr16-89556988-G-A. GRCh37 (hg19) VCF-style: chr16-89623396-G-A.
Other names: c.*61G>A (NM_001363850.1).
Identifiers: ClinVar variation 886175 (VCV000886175.4), dbSNP rs116035086, ClinGen allele CA8244644.